The following is an entry in ClinVar:

NM_020937.4(FANCM):c.3309C>A (p.His1103Gln)

Gene: FANCM (FA complementation group M; plus strand). Cytogenetic location: 14q21.2.
Variant type: single nucleotide variant.
Coding change: c.3309C>A on transcript NM_020937.4 (MANE Select); coding-DNA position 3309, C replaced by A.
Protein change: p.His1103Gln; replaces histidine 1103 with glutamine.
Molecular consequence: missense variant.
Genome position (GRCh38, 1-based): chr14:45,176,063, C>A. VCF-style: chr14-45176063-C-A. GRCh37 (hg19) VCF-style: chr14-45645266-C-A.
Other names: c.3231C>A, p.His1077Gln (NM_001308133.2); short protein forms H1077Q, H1103Q.
Identifiers: ClinVar variation 4022642 (VCV004022642.1).

ClinVar aggregate classification (germline): Uncertain significance (1 of 4 stars; one submission).

Conditions:
Inborn genetic diseases. Identifiers: MedGen C0950123, MeSH D030342.

Submission:

Ambry Genetics
Classification: Uncertain significance for Inborn genetic diseases. Last evaluated: 2025-03-31. Review status: criteria provided, single submitter. Criteria: Ambry Variant Classification Scheme 2023. Collection method: clinical testing. Allele origin: germline.
Comment: The p.H1103Q variant (also known as c.3309C>A), located in coding exon 14 of the FANCM gene, results from a C to A substitution at nucleotide position 3309. The histidine at codon 1103 is replaced by glutamine, an amino acid with highly similar properties. This amino acid position is conserved. In addition, this alteration is predicted to be tolerated by in silico analysis. Based on the available evidence, the clinical significance of this variant remains unclear.